The following is an entry in ClinVar:

ClinVar aggregate classification (germline): Conflicting classifications of pathogenicity. Review status: criteria provided, conflicting classifications (1 of 4 stars). 2 submissions from 2 submitters: Uncertain significance (1); Likely benign (1). Last evaluated 2023-09-30.

Conditions:
Neuronal ceroid lipofuscinosis. Also called: Neuronal Ceroid Lipofuscinoses. Identifiers: Orphanet 216, Orphanet 79263, MedGen C0027877, MONDO:0016295. Disease mechanism: loss of function.
Inborn genetic diseases. Identifiers: MedGen C0950123, MeSH D030342.

gnomAD v4.1: 1 of 1,614,276 alleles (0.000062%); highest among the groups gnomAD compares: Non-Finnish European, 0.000085%; no homozygotes.

Submissions (2):

Labcorp Genetics (formerly Invitae), Labcorp
Classification: Likely benign for Neuronal ceroid lipofuscinosis. Last evaluated: 2023-09-30. Review status: criteria provided, single submitter. Criteria: Invitae Variant Classification Sherloc (09022015). Collection method: clinical testing. Allele origin: germline.

Ambry Genetics
Classification: Uncertain significance for Inborn genetic diseases. Last evaluated: 2022-05-31. Review status: criteria provided, single submitter. Criteria: Ambry Variant Classification Scheme 2023. Collection method: clinical testing. Allele origin: germline.
Comment: The c.544-6A>T intronic alteration consists of a A to T substitution 6 nucleotides before exon 3 (coding exon 2) of the CLN8 gene. Based on insufficient or conflicting evidence, the clinical significance of this alteration remains unclear.

NM_018941.4(CLN8):c.544-6A>T

Gene: CLN8 (CLN8 transmembrane ER and ERGIC protein; plus strand). Cytogenetic location: 8p23.3.
Variant type: single nucleotide variant.
Coding change: c.544-6A>T on transcript NM_018941.4 (MANE Select); 6 bases into the intron before coding-DNA position 544, A replaced by T.
Molecular consequence: intron variant.
Genome position (GRCh38, 1-based): chr8:1,780,244, A>T. VCF-style: chr8-1780244-A-T. GRCh37 (hg19) VCF-style: chr8-1728410-A-T.
Identifiers: ClinVar variation 2285052 (VCV002285052.5), dbSNP rs200435861, ClinGen allele CA579552642.